The following is an entry in ClinVar:

NM_004415.4(DSP):c.6566G>A (p.Arg2189Gln)

Gene: DSP (desmoplakin; plus strand). Cytogenetic location: 6p24.3.
Variant type: single nucleotide variant.
Coding change: c.6566G>A on transcript NM_004415.4 (MANE Select); coding-DNA position 6566, G replaced by A.
Protein change: p.Arg2189Gln; replaces arginine 2189 with glutamine.
Molecular consequence: missense variant.
Genome position (GRCh38, 1-based): chr6:7,583,828, G>A. VCF-style: chr6-7583828-G-A. GRCh37 (hg19) VCF-style: chr6-7584061-G-A.
Other names: c.6566G>A (NM_004415.3, LRG_423t1); c.4769G>A, p.Arg1590Gln (NM_001008844.3); c.5237G>A, p.Arg1746Gln (NM_001319034.2); short protein forms R2189Q, R1746Q, R1590Q.
Identifiers: ClinVar variation 496248 (VCV000496248.21), dbSNP rs766933370, ClinGen allele CA048005.

ClinVar aggregate classification (germline): Conflicting classifications of pathogenicity. Review status: criteria provided, conflicting classifications (1 of 4 stars). 7 submissions from 7 submitters: Uncertain significance (5); Benign (1); Likely benign (1). Last evaluated 2026-06-30.

Conditions:
DSP-related disorder. Also called: DSP-related condition; DSP-related disorders.
Cardiovascular phenotype. Identifiers: MedGen CN230736.
Arrhythmogenic cardiomyopathy with wooly hair and keratoderma. Also called: PALMOPLANTAR KERATODERMA WITH LEFT VENTRICULAR CARDIOMYOPATHY AND WOOLLY HAIR; Carvajal syndrome; Dilated cardiomyopathy with woolly hair and keratoderma; Arrhythmogenic cardiomyopathy with woolly hair and keratoderma. Identifiers: Orphanet 65282, MedGen C1854063, MONDO:0011581, OMIM 605676.
Cardiomyopathy (CMYO). Also called: Cardiomyopathies. Identifiers: Orphanet 167848, MedGen C0878544, MONDO:0004994, HP:0001638. Inheritance: Various modes of inheritance.
Arrhythmogenic right ventricular dysplasia 8 (ARVD8). Also called: ARRHYTHMOGENIC RIGHT VENTRICULAR DYSPLASIA, FAMILIAL, 8; ARRHYTHMOGENIC RIGHT VENTRICULAR CARDIOMYOPATHY 8; Arrhythmogenic Right Ventricular Dysplasia/Cardiomyopathy 8. Identifiers: MedGen C1843896, MONDO:0011831, OMIM 607450.

Allele frequency attached by ClinVar (database versions not stated): gnomAD exomes 0.00002; ExAC 0.00003; TOPMed 0.00009; gnomAD 0.00010 and 0.00011.
gnomAD v4.1: 43 of 1,613,974 alleles (0.0027%); highest among the groups gnomAD compares: African/African-American, 0.024%; no homozygotes.

Submissions (7):

PreventionGenetics, part of Exact Sciences
Classification: Uncertain significance for DSP-related condition. Last evaluated: 2026-06-30. Review status: criteria provided, single submitter. Criteria: ACMG Guidelines, 2015. Collection method: clinical testing. Allele origin: germline.
Comment: The DSP c.6566G>A variant is predicted to result in the amino acid substitution p.Arg2189Gln. This variant has been reported in individuals with cardiac arrhythmia or left ventricular hypertrabeculation (Chanavat et al. 2016. PubMed ID: 26688388; Table S3, Miszalski-Jamka et al. 2017. PubMed ID: 28798025). This variant is reported in 0.024% of alleles in individuals of African descent in gnomAD. Although we suspect that this variant may be benign, at this time, the clinical significance of this variant is uncertain due to the absence of conclusive functional and genetic evidence.

Labcorp Genetics (formerly Invitae), Labcorp
Classification: Benign for Arrhythmogenic cardiomyopathy with wooly hair and keratoderma; Arrhythmogenic right ventricular dysplasia 8. Last evaluated: 2025-12-14. Review status: criteria provided, single submitter. Criteria: Invitae Variant Classification Sherloc (09022015). Collection method: clinical testing. Allele origin: germline.

Color Diagnostics, LLC DBA Color Health
Classification: Likely benign for Cardiomyopathy. Last evaluated: 2025-11-26. Review status: criteria provided, single submitter. Criteria: ACMG Guidelines, 2015. Collection method: clinical testing. Allele origin: germline.

All of Us Research Program, National Institutes of Health
Classification: Uncertain significance for Arrhythmogenic cardiomyopathy with wooly hair and keratoderma. Last evaluated: 2024-09-13. Review status: criteria provided, single submitter. Criteria: ACMG Guidelines, 2015. Collection method: clinical testing. Allele origin: germline. Inheritance: Autosomal dominant inheritance. Observed: 13 variant alleles, 13 heterozygotes.
Comment: This missense variant replaces arginine with glutamine at codon 2189 of the DSP protein. Computational prediction suggests that this variant may not impact protein structure and function (internally defined REVEL score threshold <= 0.5, PMID: 27666373). To our knowledge, functional studies have not been reported for this variant. This variant has been reported in an individual affected with arrhythmia (PMID: 26688388) and in an individual affected with left ventricular hypertrabeculation (PMID: 28798025). This variant has been identified in 9/282868 chromosomes in the general population by the Genome Aggregation Database (gnomAD). The available evidence is insufficient to determine the role of this variant in disease conclusively. Therefore, this variant is classified as a Variant of Uncertain Significance.

This study involves interpretation of variants in research participants for the purpose of population health screening. Participant phenotype was not available at the time of variant classification. Additional details can be found in publication PMID: 35346344, PMCID: PMC8962531

Ambry Genetics
Classification: Uncertain significance for Cardiovascular phenotype. Last evaluated: 2024-05-15. Review status: criteria provided, single submitter. Criteria: Ambry Variant Classification Scheme 2023. Collection method: clinical testing. Allele origin: germline.
Comment: The p.R2189Q variant (also known as c.6566G>A), located in coding exon 24 of the DSP gene, results from a G to A substitution at nucleotide position 6566. The arginine at codon 2189 is replaced by glutamine, an amino acid with highly similar properties. This alteration has been reported in a cardiac genetic testing cohort with limited clinical details and an additional alteration in a different cardiac-related gene, as well as in an individual with left ventricular hypertrabeculation (Chanavat V et al. Clin Chim Acta, 2016 Jan;453:80-5; Miszalski-Jamka K et al. Circ Cardiovasc Genet, 2017 Aug;10:[ePub ahead of print]). This amino acid position is not well conserved in available vertebrate species. In addition, this alteration is predicted to be tolerated by in silico analysis. Since supporting evidence is limited at this time, the clinical significance of this alteration remains unclear.

GeneDx
Classification: Uncertain significance. Last evaluated: 2023-12-28. Review status: criteria provided, single submitter. Criteria: GeneDx Variant Classification Process June 2021. Collection method: clinical testing. Allele origin: germline. Affected: yes.
Comment: Reported in an individual with sudden cardiac death who also harbored a pathogenic variant in the DSG2 gene and an individual with left ventricular hypertrabeculation (PMID: 26688388, 28798025); In silico analysis supports that this missense variant does not alter protein structure/function; This variant is associated with the following publications: (PMID: 28798025, 26688388)

Women's Health and Genetics/Laboratory Corporation of America, LabCorp
Classification: Uncertain significance. Last evaluated: 2017-06-26. Review status: criteria provided, single submitter. Criteria: LabCorp Variant Classification Summary - May 2015. Collection method: clinical testing. Allele origin: germline.
Comment: Variant summary: The DSP c.6566G>A (p.Arg2189Gln) variant involves the alteration of a conserved nucleotide. 4/4 in silico tools predict a benign outcome for this variant (SNPsandGO not captured due to low reliability index). This variant was found in 4/121402 control chromosomes, predominantly observed in the African subpopulation at a frequency of 0.000288 (3/10406). This frequency is about 12 times the estimated maximal expected allele frequency of a pathogenic DSP variant (0.000025), suggesting this is likely a benign polymorphism found primarily in the populations of African origin. However, the possibility of sublinical cardiac disease in the ExAC cohort of 4 individuals cannot be excluded . The variant has been reported in the literature in one arrythmia patient, without strong evidence for causality. The variant has not, to our knowledge, been reported by databases or reputable clinical labs. Taken together, this variant is classified as VUS-possibly benign.

Literature cited by the submitters: PubMed 26688388 (cited by 3 submitters); PubMed 28798025 (cited by All of Us Research Program, National Institutes of Health and Ambry Genetics); PubMed 25344691 (cited by Women's Health and Genetics/Laboratory Corporation of America, LabCorp).